The following is an entry in ClinVar:

NM_000081.4(LYST):c.2030T>C (p.Ile677Thr)

Gene: LYST (lysosomal trafficking regulator; minus strand). Cytogenetic location: 1q42.3.
Variant type: single nucleotide variant.
Coding change: c.2030T>C on transcript NM_000081.4 (MANE Select); coding-DNA position 2030, T replaced by C.
Protein change: p.Ile677Thr; replaces isoleucine 677 with threonine.
Molecular consequence: missense variant.
Genome position (GRCh38, 1-based): chr1:235,808,788, A>G on the plus strand (T>C on the coding strand, the complement: LYST is on the minus strand). VCF-style: chr1-235808788-A-G. GRCh37 (hg19) VCF-style: chr1-235972088-A-G.
Other names: c.2030T>C, p.Ile677Thr (NM_001301365.1); short protein forms I677T.
Identifiers: ClinVar variation 1005354 (VCV001005354.6), dbSNP rs2527106263, ClinGen allele CA344961109.
Genomic context (GRCh38, chr1:235,808,788, plus strand): 5'-TGATAAGCCTTTAAAGCATCCCATTTCCACAACAAATCTTCAGATCCACTGCTGGGCAGG[A>G]TCCCTTGAAATCTGTAAGAAGGACTGGATAAACTTGAGGAGAGTTCAGCATCACATAAGT-3'
Protein context (NP_000072.2, residues 667-687): LSSPSYRFQG[Ile677Thr]LPSSGSEDLL

ClinVar aggregate classification (germline): Uncertain significance (1 of 4 stars; one submission).

Conditions:
Chédiak-Higashi syndrome (CHS). Also called: Chediak-Higashi Syndrome. Identifiers: Orphanet 167, MedGen C0007965, MONDO:0008963, OMIM 214500.

Submission:

Labcorp Genetics (formerly Invitae), Labcorp
Classification: Uncertain significance for Chédiak-Higashi syndrome. Last evaluated: 2021-08-27. Review status: criteria provided, single submitter. Criteria: Invitae Variant Classification Sherloc (09022015). Collection method: clinical testing. Allele origin: germline.
Comment: This sequence change replaces isoleucine with threonine at codon 677 of the LYST protein (p.Ile677Thr). The isoleucine residue is moderately conserved and there is a moderate physicochemical difference between isoleucine and threonine. This variant is not present in population databases (ExAC no frequency). This variant has not been reported in the literature in individuals affected with LYST-related conditions. Algorithms developed to predict the effect of missense changes on protein structure and function are either unavailable or do not agree on the potential impact of this missense change (SIFT: "Deleterious"; PolyPhen-2: "Benign"; Align-GVGD: "Class C0"). In summary, the available evidence is currently insufficient to determine the role of this variant in disease. Therefore, it has been classified as a Variant of Uncertain Significance.